The following is an entry in ClinVar:

NM_005559.4(LAMA1):c.5806T>A (p.Ser1936Thr)

Gene: LAMA1 (laminin subunit alpha 1; minus strand). Cytogenetic location: 18p11.31.
Variant type: single nucleotide variant.
Coding change: c.5806T>A on transcript NM_005559.4 (MANE Select); coding-DNA position 5806, T replaced by A.
Protein change: p.Ser1936Thr; replaces serine 1936 with threonine.
Molecular consequence: missense variant.
Genome position (GRCh38, 1-based): chr18:6,982,581, A>T on the plus strand (T>A on the coding strand, the complement: LAMA1 is on the minus strand). VCF-style: chr18-6982581-A-T. GRCh37 (hg19) VCF-style: chr18-6982580-A-T.
Other names: short protein forms S1936T.
Identifiers: ClinVar variation 1522123 (VCV001522123.8), dbSNP rs771579539, ClinGen allele CA8881465.
Genomic context (GRCh38, chr18:6,982,581, plus strand): 5'-TGCCTTCTTTTAGAAATCTGGAGCTGCGCTGCACGGCCGCTTTCCCGTTAGAAACAAGGG[A>T]TTCTGAGAGCTGGAAAACAGAACCACTTAAGCGTGGTGAGAGCAGGGCAGGGTGGAGTCC-3'
Protein context (NP_005550.2, residues 1926-1946): TVTETSLLSE[Ser1936Thr]LVSNGKAAVQ

ClinVar aggregate classification (germline): Uncertain significance (1 of 4 stars; one submission).

Allele frequency attached by ClinVar (database versions not stated): ExAC 0.00001; gnomAD exomes 0.00001.
gnomAD v4.1: 22 of 1,614,134 alleles (0.0014%); highest among the groups gnomAD compares: Non-Finnish European, 0.0017%; no homozygotes.

Submission:

Labcorp Genetics (formerly Invitae), Labcorp
Classification: Uncertain significance. Last evaluated: 2022-08-16. Review status: criteria provided, single submitter. Criteria: Invitae Variant Classification Sherloc (09022015). Collection method: clinical testing. Allele origin: germline.
Comment: In summary, the available evidence is currently insufficient to determine the role of this variant in disease. Therefore, it has been classified as a Variant of Uncertain Significance. Algorithms developed to predict the effect of missense changes on protein structure and function (SIFT, PolyPhen-2, Align-GVGD) all suggest that this variant is likely to be tolerated. ClinVar contains an entry for this variant (Variation ID: 1522123). This variant has not been reported in the literature in individuals affected with LAMA1-related conditions. This variant is present in population databases (rs771579539, gnomAD 0.002%). This sequence change replaces serine, which is neutral and polar, with threonine, which is neutral and polar, at codon 1936 of the LAMA1 protein (p.Ser1936Thr).